The following is an entry in ClinVar:

NM_024596.5(MCPH1):c.2452+3204G>C

Genes: MCPH1 (microcephalin 1; plus strand), MCPH1-AS1 (MCPH1 antisense RNA 1; minus strand). Cytogenetic location: 8p23.1.
Variant type: single nucleotide variant.
Coding change: c.2452+3204G>C on transcript NM_024596.5 (MANE Select); 3204 bases into the intron after coding-DNA position 2452, G replaced by C.
Molecular consequence: intron variant. On other transcripts: splice acceptor variant (1).
Genome position (GRCh38, 1-based): chr8:6,624,895, G>C. VCF-style: chr8-6624895-G-C. GRCh37 (hg19) VCF-style: chr8-6482416-G-C.
Other names: c.2453-1G>C (NM_001322042.2); c.2173+3204G>C (NM_001363980.2); c.2452+3204G>C (NM_001363979.1); c.2453-1062G>C (NM_001410917.1).
Identifiers: ClinVar variation 3341808 (VCV003341808.16).

ClinVar aggregate classification (germline): Benign (1 of 4 stars; one submission).

gnomAD v4.1: 919 of 940,462 alleles (0.098%); highest among the groups gnomAD compares: African/African-American, 1.6%; 7 homozygotes.

Submission:

CeGaT Center for Human Genetics Tuebingen
Classification: Benign. Last evaluated: 2024-08-01. Review status: criteria provided, single submitter. Criteria: CeGaT Center For Human Genetics Tuebingen Variant Classification Criteria Version 2. Collection method: clinical testing. Allele origin: germline. Affected: yes. Observed: 1 variant allele.
Comment: MCPH1: BS1, BS2